The following is an entry in ClinVar:

NM_001204.7(BMPR2):c.1450T>C (p.Trp484Arg)

Gene: BMPR2 (bone morphogenetic protein receptor type 2; plus strand). Cytogenetic location: 2q33.2.
Variant type: single nucleotide variant.
Coding change: c.1450T>C on transcript NM_001204.7 (MANE Select); coding-DNA position 1450, T replaced by C.
Protein change: p.Trp484Arg; replaces tryptophan 484 with arginine.
Molecular consequence: missense variant.
Genome position (GRCh38, 1-based): chr2:202,552,752, T>C. VCF-style: chr2-202552752-T-C. GRCh37 (hg19) VCF-style: chr2-203417475-T-C.
Other names: short protein forms W484R.
Identifiers: ClinVar variation 3344547 (VCV003344547.1).
Genomic context (GRCh38, chr2:202,552,752, plus strand): 5'-TTTGACATGTACTTTGTCTTACAGGCAGTGAGGTCACTCAAGGAGACAATCGAAGACTGT[T>C]GGGACCAGGATGCAGAGGCTCGGCTTACTGCACAGTGTGCTGAGGAAAGGATGGCTGAAC-3'
Protein context (NP_001195.2, residues 474-494): RSLKETIEDC[Trp484Arg]DQDAEARLTA

ClinVar aggregate classification (germline): Uncertain significance (0 of 4 stars; one submission).

Conditions:
BMPR2-related disorder. Also called: BMPR2-related disorders; BMPR2-related condition.

Submission:

PreventionGenetics, part of Exact Sciences
Classification: Uncertain significance for BMPR2-related condition. Last evaluated: 2024-08-30. Review status: no assertion criteria provided. Collection method: clinical testing. Allele origin: germline.
Comment: The BMPR2 c.1450T>C variant is predicted to result in the amino acid substitution p.Trp484Arg. This variant has been reported in an individual with pulmonary arterial hypertension (Table S3, Zhu et al. 2019. PubMed ID: 31727138). This variant has not been reported in a large population database, indicating this variant is rare. Although we suspect that this variant may be pathogenic, at this time, the clinical significance of this variant is uncertain due to the absence of conclusive functional and genetic evidence.